The following is an entry in ClinVar:

NM_001379500.1(COL18A1):c.1857dup (p.Pro620fs)

Gene: COL18A1 (collagen type XVIII alpha 1 chain; plus strand). Cytogenetic location: 21q22.3.
Variant type: Duplication.
Coding change: c.1857dup on transcript NM_001379500.1 (MANE Select); coding-DNA position 1857, one base duplicated (G; older notation c.1857dupG).
Protein change: p.Pro620fs; shifts the reading frame from proline 620.
Molecular consequence: frameshift variant.
Genome position (GRCh38, 1-based): chr21:45,487,470, G duplicated; the last of 6 consecutive G bases (chr21:45,487,465-45,487,470); duplicating any one gives the same sequence. VCF-style (leftmost placement, unchanged base first): chr21-45487464-C-CG. GRCh37 (hg19) VCF-style: chr21-46907378-C-CG.
Other names: c.2397dup, p.Pro800fs (NM_030582.4); c.3102dup, p.Pro1035fs (NM_130444.3); short protein forms P800fs, P1035fs, P620fs.
Identifiers: ClinVar variation 2699523 (VCV002699523.3), dbSNP rs2517661534, ClinGen allele CA638161416.

ClinVar aggregate classification (germline): Pathogenic (1 of 4 stars; one submission).

Submission:

Labcorp Genetics (formerly Invitae), Labcorp
Classification: Pathogenic. Last evaluated: 2023-11-28. Review status: criteria provided, single submitter. Criteria: Invitae Variant Classification Sherloc (09022015). Collection method: clinical testing. Allele origin: germline.
Comment: This sequence change creates a premature translational stop signal (p.Pro620Alafs*10) in the COL18A1 gene. It is expected to result in an absent or disrupted protein product. Loss-of-function variants in COL18A1 are known to be pathogenic (PMID: 12415512, 25456301). This variant is not present in population databases (gnomAD no frequency). This variant has not been reported in the literature in individuals affected with COL18A1-related conditions. For these reasons, this variant has been classified as Pathogenic.

Literature cited by the submitters: PubMed 12415512; PubMed 25456301.